The following is an entry in ClinVar:

ClinVar aggregate classification (germline): Uncertain significance (1 of 4 stars; one submission).

Conditions:
TMEM67-related disorder. Also called: TMEM67-related disorders; TMEM67-related condition. Identifiers: MedGen CN239423.

Submission:

PreventionGenetics, part of Exact Sciences
Classification: Uncertain significance for TMEM67-related condition. Last evaluated: 2025-07-01. Review status: criteria provided, single submitter. Criteria: ACMG Guidelines, 2015. Collection method: clinical testing. Allele origin: germline.
Comment: The TMEM67 c.1132-8delC variant is predicted to result in an intronic deletion. To our knowledge, this variant has not been reported in the literature or in a large population database, indicating this variant is rare. At this time, the clinical significance of this variant is uncertain due to the absence of conclusive functional and genetic evidence.

NM_153704.6(TMEM67):c.1132-8del

Gene: TMEM67 (transmembrane protein 67; plus strand). Cytogenetic location: 8q22.1.
Variant type: Deletion.
Coding change: c.1132-8del on transcript NM_153704.6 (MANE Select); 8 bases into the intron before coding-DNA position 1132, one base deleted (C; older notation c.1132-8delC).
Molecular consequence: intron variant.
Genome position (GRCh38, 1-based): chr8:93,785,214, C deleted. VCF-style (leftmost placement, unchanged base first): chr8-93785213-AC-A. GRCh37 (hg19) VCF-style: chr8-94797441-AC-A.
Other names: c.889-8del (NM_001142301.1).
Identifiers: ClinVar variation 4996989 (VCV004996989.1).